The following is an entry in ClinVar:

ClinVar aggregate classification (germline): Uncertain significance (1 of 4 stars; one submission).

Submission:

Women's Health and Genetics/Laboratory Corporation of America, LabCorp
Classification: Uncertain significance. Last evaluated: 2023-12-13. Review status: criteria provided, single submitter. Criteria: LabCorp Variant Classification Summary - May 2015. Collection method: clinical testing. Allele origin: germline.
Comment: Variant summary: COL4A4 c.1053C>A (p.His351Gln) results in a non-conservative amino acid change in the encoded protein sequence. Four of five in-silico tools predict a benign effect of the variant on protein function. The variant was absent in 249448 control chromosomes (gnomAD). The available data on variant occurrences in the general population are insufficient to allow any conclusion about variant significance. To our knowledge, no occurrence of c.1053C>A in individuals affected with Alport Syndrome, Autosomal Recessive and no experimental evidence demonstrating its impact on protein function have been reported. No submitters have cited clinical-significance assessments for this variant to ClinVar after 2014. Based on the evidence outlined above, the variant was classified as uncertain significance.

NM_000092.5(COL4A4):c.1053C>A (p.His351Gln)

Gene: COL4A4 (collagen type IV alpha 4 chain; minus strand). Cytogenetic location: 2q36.3.
Variant type: single nucleotide variant.
Coding change: c.1053C>A on transcript NM_000092.5 (MANE Select); coding-DNA position 1053, C replaced by A.
Protein change: p.His351Gln; replaces histidine 351 with glutamine.
Molecular consequence: missense variant.
Genome position (GRCh38, 1-based): chr2:227,099,666, G>T on the plus strand (C>A on the coding strand, the complement: COL4A4 is on the minus strand). VCF-style: chr2-227099666-G-T. GRCh37 (hg19) VCF-style: chr2-227964382-G-T.
Other names: short protein forms H351Q.
Identifiers: ClinVar variation 2691655 (VCV002691655.1), dbSNP rs566734739, ClinGen allele CA350854860.